The following is an entry in ClinVar:

NM_201525.4(ADGRG1):c.1412C>T (p.Ala471Val)

Gene: ADGRG1 (adhesion G protein-coupled receptor G1; plus strand). Cytogenetic location: 16q21.
Variant type: single nucleotide variant.
Coding change: c.1412C>T on transcript NM_201525.4 (MANE Select); coding-DNA position 1412, C replaced by T.
Protein change: p.Ala471Val; replaces alanine 471 with valine.
Molecular consequence: missense variant.
Genome position (GRCh38, 1-based): chr16:57,659,538, C>T. VCF-style: chr16-57659538-C-T. GRCh37 (hg19) VCF-style: chr16-57693450-C-T.
Other names: c.1412C>T, p.Ala471Val (NM_001145770.3, NM_001145772.3, NM_001145774.3 and 7 more transcripts); c.1430C>T, p.Ala477Val (NM_001145771.3, NM_001370428.1, NM_001370429.1 and 4 more transcripts); c.1427C>T, p.Ala476Val (NM_001145773.3, NM_001370433.1, NM_001370434.1); c.920C>T, p.Ala307Val (NM_001290142.2); c.905C>T, p.Ala302Val (NM_001290143.2); c.887C>T, p.Ala296Val (NM_001290144.2, NM_001370451.1, NM_001370453.1 and 1 more transcripts); c.1409C>T, p.Ala470Val (NM_001370441.1); c.1256C>T, p.Ala419Val (NM_001370442.1); short protein forms A296V, A302V, A470V, A471V, A477V, A307V, A419V, A476V.
Identifiers: ClinVar variation 2092946 (VCV002092946.4), dbSNP rs776762069, ClinGen allele CA8078748.

ClinVar aggregate classification (germline): Uncertain significance (1 of 4 stars; one submission).

Allele frequency attached by ClinVar (database versions not stated): gnomAD exomes below 0.00001; ExAC 0.00002.
gnomAD v4.1: 2 of 1,614,086 alleles (0.00012%); highest among the groups gnomAD compares: Admixed American, 0.0033%; no homozygotes.

Submission:

Labcorp Genetics (formerly Invitae), Labcorp
Classification: Uncertain significance. Last evaluated: 2026-01-19. Review status: criteria provided, single submitter. Criteria: Invitae Variant Classification Sherloc (09022015). Collection method: clinical testing. Allele origin: germline.
Comment: This sequence change replaces alanine, which is neutral and non-polar, with valine, which is neutral and non-polar, at codon 477 of the ADGRG1 protein (p.Ala477Val). This variant is present in population databases (rs776762069, gnomAD 0.006%). This variant has not been reported in the literature in individuals affected with ADGRG1-related conditions. ClinVar contains an entry for this variant (Variation ID: 2092946). Invitae Evidence Modeling of protein sequence and biophysical properties (such as structural, functional, and spatial information, amino acid conservation, physicochemical variation, residue mobility, and thermodynamic stability) indicates that this missense variant is not expected to disrupt ADGRG1 protein function with a negative predictive value of 95%. In summary, the available evidence is currently insufficient to determine the role of this variant in disease. Therefore, it has been classified as a Variant of Uncertain Significance.